The following is an entry in ClinVar:

ClinVar aggregate classification (germline): Uncertain significance (1 of 4 stars; one submission).

Conditions:
Cardiovascular phenotype. Identifiers: MedGen CN230736.

Submission:

Ambry Genetics
Classification: Uncertain significance for Cardiovascular phenotype. Last evaluated: 2025-02-19. Review status: criteria provided, single submitter. Criteria: Ambry Variant Classification Scheme 2023. Collection method: clinical testing. Allele origin: germline.
Comment: The p.P323L variant (also known as c.968C>T), located in coding exon 9 of the PTPN11 gene, results from a C to T substitution at nucleotide position 968. The proline at codon 323 is replaced by leucine, an amino acid with similar properties. This amino acid position is conserved. In addition, this alteration is predicted to be tolerated by in silico analysis. Based on the available evidence, the clinical significance of this variant remains unclear.

NM_002834.5(PTPN11):c.968C>T (p.Pro323Leu)

Gene: PTPN11 (protein tyrosine phosphatase non-receptor type 11; plus strand). Cytogenetic location: 12q24.13.
Variant type: single nucleotide variant.
Coding change: c.968C>T on transcript NM_002834.5 (MANE Select); coding-DNA position 968, C replaced by T.
Protein change: p.Pro323Leu; replaces proline 323 with leucine.
Molecular consequence: missense variant.
Genome position (GRCh38, 1-based): chr12:112,477,891, C>T. VCF-style: chr12-112477891-C-T. GRCh37 (hg19) VCF-style: chr12-112915695-C-T.
Other names: c.968C>T, p.Pro323Leu (NM_001330437.2, NM_080601.3); c.965C>T, p.Pro322Leu (NM_001374625.1); short protein forms P322L, P323L.
Identifiers: ClinVar variation 3784969 (VCV003784969.1).